The following is an entry in ClinVar:

ClinVar aggregate classification (germline): Uncertain significance (1 of 4 stars; one submission).

Allele frequency attached by ClinVar (database versions not stated): gnomAD exomes below 0.00001; TOPMed below 0.00001.
gnomAD v4.1: 1 of 1,613,332 alleles (0.000062%); highest among the groups gnomAD compares: South Asian, 0.0011%; no homozygotes.

Submission:

Labcorp Genetics (formerly Invitae), Labcorp
Classification: Uncertain significance. Last evaluated: 2024-11-05. Review status: criteria provided, single submitter. Criteria: Invitae Variant Classification Sherloc (09022015). Collection method: clinical testing. Allele origin: germline.
Comment: This sequence change replaces arginine, which is basic and polar, with glutamine, which is neutral and polar, at codon 561 of the CARMIL2 protein (p.Arg561Gln). The frequency data for this variant in the population databases is considered unreliable, as metrics indicate poor data quality at this position in the gnomAD database. This variant has not been reported in the literature in individuals affected with CARMIL2-related conditions. ClinVar contains an entry for this variant (Variation ID: 2980128). Invitae Evidence Modeling of protein sequence and biophysical properties (such as structural, functional, and spatial information, amino acid conservation, physicochemical variation, residue mobility, and thermodynamic stability) indicates that this missense variant is not expected to disrupt CARMIL2 protein function with a negative predictive value of 80%. In summary, the available evidence is currently insufficient to determine the role of this variant in disease. Therefore, it has been classified as a Variant of Uncertain Significance.

NM_001013838.3(CARMIL2):c.1682G>A (p.Arg561Gln)

Gene: CARMIL2 (capping protein regulator and myosin 1 linker 2; plus strand). Cytogenetic location: 16q22.1.
Variant type: single nucleotide variant.
Coding change: c.1682G>A on transcript NM_001013838.3 (MANE Select); coding-DNA position 1682, G replaced by A.
Protein change: p.Arg561Gln; replaces arginine 561 with glutamine.
Molecular consequence: missense variant.
Genome position (GRCh38, 1-based): chr16:67,649,166, G>A. VCF-style: chr16-67649166-G-A. GRCh37 (hg19) VCF-style: chr16-67683069-G-A.
Other names: c.1574G>A, p.Arg525Gln (NM_001317026.3); short protein forms R525Q, R561Q.
Identifiers: ClinVar variation 2980128 (VCV002980128.3), dbSNP rs774485253, ClinGen allele CA8113528.